The following is an entry in ClinVar:

ClinVar aggregate classification (germline): Benign. Review status: criteria provided, multiple submitters, no conflicts (2 of 4 stars). 7 submissions from 7 submitters: Benign (7). Last evaluated 2026-01-26.

Conditions:
Pyogenic arthritis-pyoderma gangrenosum-acne syndrome (PAPA). Also called: FAMILIAL RECURRENT ARTHRITIS; PAPA SYNDROME. Identifiers: Orphanet 69126, MedGen C1858361, MONDO:0011462, OMIM 604416.

Allele frequency attached by ClinVar (database versions not stated): gnomAD exomes 0.00224 and 0.00600; ESP Exome Variant Server 0.00307; gnomAD 0.00534 and 0.00600; TOPMed 0.00685; ExAC 0.00754; 1000 Genomes Project 30x 0.01874; 1000 Genomes Project 0.02017.
gnomAD v4.1: 4,230 of 1,549,180 alleles (0.27%); highest among the groups gnomAD compares: East Asian, 5.2%; 87 homozygotes.

Submissions (7):

Labcorp Genetics (formerly Invitae), Labcorp
Classification: Benign for Pyogenic arthritis-pyoderma gangrenosum-acne syndrome. Last evaluated: 2026-01-26. Review status: criteria provided, single submitter. Criteria: Invitae Variant Classification Sherloc (09022015). Collection method: clinical testing. Allele origin: germline.

Women's Health and Genetics/Laboratory Corporation of America, LabCorp
Classification: Benign. Last evaluated: 2026-01-23. Review status: criteria provided, single submitter. Criteria: LabCorp Variant Classification Summary - May 2015. Collection method: clinical testing. Allele origin: germline.

ARUP Laboratories, Molecular Genetics and Genomics, ARUP Laboratories
Classification: Benign. Last evaluated: 2025-07-25. Review status: criteria provided, single submitter. Criteria: ARUP Molecular Germline Variant Investigation Process 2024. Collection method: clinical testing. Allele origin: germline.

Illumina Laboratory Services, Illumina
Classification: Benign for Pyogenic arthritis-pyoderma gangrenosum-acne syndrome. Last evaluated: 2018-01-12. Review status: criteria provided, single submitter. Criteria: ICSL Variant Classification Criteria 13 December 2019. Collection method: clinical testing. Allele origin: germline.
Comment: This variant was observed in the ICSL laboratory as part of a predisposition screen in an ostensibly healthy population. It had not been previously curated by ICSL or reported in the Human Gene Mutation Database (HGMD: prior to June 1st, 2018), and was therefore a candidate for classification through an automated scoring system. Utilizing variant allele frequency, disease prevalence and penetrance estimates, and inheritance mode, an automated score was calculated to assess if this variant is too frequent to cause the disease. Based on the score and internal cut-off values, a variant classified as benign is not then subjected to further curation. The score for this variant resulted in a classification of benign for this disease.

GeneDx
Classification: Benign. Last evaluated: 2012-04-02. Review status: criteria provided, single submitter. Criteria: GeneDx Variant Classification (06012015). Collection method: clinical testing. Allele origin: germline. Affected: yes.
Comment: This variant is considered likely benign or benign based on one or more of the following criteria: it is a conservative change, it occurs at a poorly conserved position in the protein, it is predicted to be benign by multiple in silico algorithms, and/or has population frequency not consistent with disease.

Breakthrough Genomics
Classification: Benign. Review status: criteria provided, single submitter. Criteria: ACMG Guidelines, 2015. Collection method: not provided. Allele origin: germline. Inheritance: Autosomal dominant inheritance. Affected: yes.

PreventionGenetics, part of Exact Sciences
Classification: Benign. Review status: criteria provided, single submitter. Criteria: ACMG Guidelines, 2015. Collection method: clinical testing. Allele origin: germline.

NM_003978.5(PSTPIP1):c.212+12C>T

Gene: PSTPIP1 (proline-serine-threonine phosphatase interacting protein 1; plus strand). Cytogenetic location: 15q24.3.
Variant type: single nucleotide variant.
Coding change: c.212+12C>T on transcript NM_003978.5 (MANE Select); 12 bases into the intron after coding-DNA position 212, C replaced by T.
Molecular consequence: intron variant.
Genome position (GRCh38, 1-based): chr15:77,018,543, C>T. VCF-style: chr15-77018543-C-T. GRCh37 (hg19) VCF-style: chr15-77310884-C-T.
Other names: c.212+12C>T (LRG_172t1, NM_001321135.2); c.407+12C>T (NM_001321137.1); c.185+12C>T (NM_001321136.2).
Identifiers: ClinVar variation 138819 (VCV000138819.25), dbSNP rs3812914, ClinGen allele CA292929.
Genomic context (GRCh38, chr15:77,018,543, plus strand): 5'-AGGAGCTGGTGCAGATCGCACGGAAGGCAGGTGGCCAGACGGAGATCAAGTAAGATCTCC[C>T]GGGCCCTGGGGCTCACTCCTCTCCTCTGCTGGCAGTTTCTGGGCCTTTAGATGAGGTTTA-3'